The following is an entry in ClinVar:

ClinVar aggregate classification (germline): Uncertain significance (1 of 4 stars; one submission).

Allele frequency attached by ClinVar (database versions not stated): TOPMed 0.00001.
gnomAD v4.1: 7 of 1,613,984 alleles (0.00043%); highest among the groups gnomAD compares: African/African-American, 0.008%; no homozygotes.

Submission:

Labcorp Genetics (formerly Invitae), Labcorp
Classification: Uncertain significance. Last evaluated: 2023-08-27. Review status: criteria provided, single submitter. Criteria: Invitae Variant Classification Sherloc (09022015). Collection method: clinical testing. Allele origin: germline.
Comment: This sequence change replaces phenylalanine, which is neutral and non-polar, with leucine, which is neutral and non-polar, at codon 683 of the RHOBTB2 protein (p.Phe683Leu). In summary, the available evidence is currently insufficient to determine the role of this variant in disease. Therefore, it has been classified as a Variant of Uncertain Significance. Advanced modeling of protein sequence and biophysical properties (such as structural, functional, and spatial information, amino acid conservation, physicochemical variation, residue mobility, and thermodynamic stability) performed at Invitae indicates that this missense variant is not expected to disrupt RHOBTB2 protein function. This variant has not been reported in the literature in individuals affected with RHOBTB2-related conditions. This variant is present in population databases (rs766313715, gnomAD 0.01%).

NM_015178.3(RHOBTB2):c.1983C>G (p.Phe661Leu)

Gene: RHOBTB2 (Rho related BTB domain containing 2; plus strand). Cytogenetic location: 8p21.3.
Variant type: single nucleotide variant.
Coding change: c.1983C>G on transcript NM_015178.3 (MANE Select); coding-DNA position 1983, C replaced by G.
Protein change: p.Phe661Leu; replaces phenylalanine 661 with leucine.
Molecular consequence: missense variant.
Genome position (GRCh38, 1-based): chr8:23,017,268, C>G. VCF-style: chr8-23017268-C-G. GRCh37 (hg19) VCF-style: chr8-22874781-C-G.
Other names: c.2049C>G, p.Phe683Leu (NM_001160036.2); c.2004C>G, p.Phe668Leu (NM_001160037.2); c.1983C>G, p.Phe661Leu (NM_001374791.1); short protein forms F661L, F668L, F683L.
Identifiers: ClinVar variation 2777206 (VCV002777206.3), dbSNP rs766313715, ClinGen allele CA4672846.